The following is an entry in ClinVar:

ClinVar aggregate classification (germline): Uncertain significance (1 of 4 stars; one submission).

Conditions:
Hereditary cancer-predisposing syndrome. Also called: Neoplastic Syndromes, Hereditary; Tumor predisposition; Hereditary neoplastic syndrome; Hereditary Cancer Syndrome. Identifiers: Orphanet 140162, MedGen C0027672, MeSH D009386, MONDO:0015356.
Cardiovascular phenotype. Identifiers: MedGen CN230736.

Submission:

Ambry Genetics
Classification: Uncertain significance for Cardiovascular phenotype; Hereditary cancer-predisposing syndrome. Last evaluated: 2023-12-07. Review status: criteria provided, single submitter. Criteria: Ambry Variant Classification Scheme 2023. Collection method: clinical testing. Allele origin: germline.
Comment: The p.I281M variant (also known as c.843C>G), located in coding exon 8 of the NF1 gene, results from a C to G substitution at nucleotide position 843. The isoleucine at codon 281 is replaced by methionine, an amino acid with highly similar properties. This amino acid position is conserved. In addition, this alteration is predicted to be tolerated by in silico analysis. Since supporting evidence is limited at this time, the clinical significance of this alteration remains unclear.

NM_001042492.3(NF1):c.843C>G (p.Ile281Met)

Gene: NF1 (neurofibromin 1; plus strand). Cytogenetic location: 17q11.2.
Variant type: single nucleotide variant.
Coding change: c.843C>G on transcript NM_001042492.3 (MANE Select); coding-DNA position 843, C replaced by G.
Protein change: p.Ile281Met; replaces isoleucine 281 with methionine.
Molecular consequence: missense variant.
Genome position (GRCh38, 1-based): chr17:31,182,620, C>G. VCF-style: chr17-31182620-C-G. GRCh37 (hg19) VCF-style: chr17-29509638-C-G.
Other names: c.843C>G, p.Ile281Met (NM_000267.4, NM_001128147.3); short protein forms I281M.
Identifiers: ClinVar variation 3237988 (VCV003237988.1), dbSNP rs146094856.